The following is an entry in ClinVar:

ClinVar aggregate classification (germline): Likely benign (1 of 4 stars; one submission).

Conditions:
PLCG1-related disorder. Also called: PLCG1-related condition.

gnomAD v4.1: 192 of 1,298,562 alleles (0.015%); highest among the groups gnomAD compares: East Asian, 0.56%; no homozygotes.

Submission:

PreventionGenetics, part of Exact Sciences
Classification: Likely benign for PLCG1-related condition. Last evaluated: 2025-01-13. Review status: criteria provided, single submitter. Criteria: ACMG Guidelines, 2015. Collection method: clinical testing. Allele origin: germline.
Comment: This variant is classified as likely benign based on ACMG/AMP sequence variant interpretation guidelines (Richards et al. 2015 PMID: 25741868, with internal and published modifications).

NM_002660.3(PLCG1):c.182C>T (p.Thr61Met)

Genes: PLCG1 (phospholipase C gamma 1; plus strand), PLCG1-AS1 (PLCG1 antisense RNA 1; minus strand). Cytogenetic location: 20q12.
Variant type: single nucleotide variant.
Coding change: c.182C>T on transcript NM_002660.3 (MANE Select); coding-DNA position 182, C replaced by T.
Protein change: p.Thr61Met; replaces threonine 61 with methionine.
Molecular consequence: missense variant. On other transcripts: non-coding transcript variant (1).
Genome position (GRCh38, 1-based): chr20:41,137,823, C>T. VCF-style: chr20-41137823-C-T. GRCh37 (hg19) VCF-style: chr20-39766463-C-T.
Other names: c.182C>T, p.Thr61Met (NM_182811.2); short protein forms T61M.
Identifiers: ClinVar variation 4981469 (VCV004981469.1).
Genomic context (GRCh38, chr20:41,137,823, plus strand): 5'-AGAAGTCGCAGCGACCCGAGCGGAAGACCTTCCAGGTCAAGCTGGAGACGCGCCAGATCA[C>T]GTGGAGCCGGGGCGCCGACAAGATCGAGGGGGCCAGTAAGTGCGCCCACTTCCTGCCTGG-3'
Protein context (NP_002651.2, residues 51-71): FQVKLETRQI[Thr61Met]WSRGADKIEG